The following is an entry in ClinVar:

NM_000059.4(BRCA2):c.2278_2279del (p.Leu760fs)

Gene: BRCA2 (BRCA2 DNA repair associated; plus strand). Cytogenetic location: 13q13.1.
Variant type: Deletion.
Coding change: c.2278_2279del on transcript NM_000059.4 (MANE Select); coding-DNA positions 2278 to 2279, 2 bases deleted (TT; older notation c.2278_2279delTT).
Protein change: p.Leu760fs; shifts the reading frame from leucine 760.
Molecular consequence: frameshift variant.
Genome position (GRCh38, 1-based): chr13:32,336,633-32,336,634, TT deleted; deleting any 2 consecutive bases within chr13:32,336,631-32,336,634 gives the same sequence; the c. name uses the placement nearest the transcript's 3' end. VCF-style (leftmost placement, unchanged base first): chr13-32336630-CTT-C. GRCh37 (hg19) VCF-style: chr13-32910767-CTT-C.
Other names: 2506delTT; c.2278_2279delTT (NM_000059.3); short protein forms L760fs.
Identifiers: ClinVar variation 266694 (VCV000266694.20), dbSNP rs886038071, ClinGen allele CA10589150.
Genomic context (GRCh38, chr13:32,336,630, plus strand): 5'-CACCCAGTACAACATTCAAAAGTGGAATACAGTGATACTGACTTTCAATCCCAGAAAAGT[CTT>C]TTATATGATCATGAAAATGCCAGCACTCTTATTTTAACTCCTACTTCCAAGGATGTTCTG-3'

ClinVar aggregate classification (germline): Pathogenic. Review status: reviewed by expert panel (3 of 4 stars). 6 submissions from 6 submitters: Pathogenic (1). 5 of the submissions do not count toward it. Last evaluated 2016-10-18.

Conditions:
Hereditary cancer-predisposing syndrome. Also called: Hereditary neoplastic syndrome; Hereditary Cancer Syndrome; Neoplastic Syndromes, Hereditary; Tumor predisposition. Identifiers: Orphanet 140162, MedGen C0027672, MeSH D009386, MONDO:0015356.
Hereditary breast ovarian cancer syndrome. Also called: BRCA1- and BRCA2-Associated Hereditary Breast and Ovarian Cancer; Breast and ovarian cancer; Hereditary breast and/or ovarian cancer syndrome; Hereditary breast and ovarian cancer syndrome (HBOC); Hereditary breast and ovarian cancer syndrome; Hereditary breast and ovarian cancer. Identifiers: Orphanet 145, MedGen C0677776, MeSH D061325, MONDO:0003582. Disease mechanism: loss of function.
Breast-ovarian cancer, familial, susceptibility to, 2 (BROVCA2). Also called: BRCA2 Hereditary Breast and Ovarian Cancer. Identifiers: Orphanet 145, MedGen C2675520, MONDO:0012933, OMIM 612555. Disease mechanism: loss of function.
Familial cancer of breast. Also called: Hereditary breast cancer; BREAST CANCER, FAMILIAL; hereditary breast carcinoma. Identifiers: Orphanet 227535, MedGen C0346153, MONDO:0016419, OMIM 114480. Disease mechanism: loss of function.

Submissions (6):

Evidence-based Network for the Interpretation of Germline Mutant Alleles (ENIGMA)
Classification: Pathogenic for Breast-ovarian cancer, familial, susceptibility to, 2. Last evaluated: 2016-10-18. Review status: reviewed by expert panel. Criteria: ENIGMA BRCA1/2 Classification Criteria (2015). Collection method: curation. Allele origin: germline.
Comment: Variant allele predicted to encode a truncated non-functional protein.

Ambry Genetics
Classification: Pathogenic for Hereditary cancer-predisposing syndrome. Last evaluated: 2025-01-31. Review status: criteria provided, single submitter. Criteria: Ambry Variant Classification Scheme 2023. Collection method: clinical testing. Allele origin: germline. Not counted in ClinVar's aggregate classification.
Comment: The c.2278_2279delTT pathogenic mutation, located in coding exon 10 of the BRCA2 gene, results from a deletion of two nucleotides at nucleotide positions 2278 to 2279, causing a translational frameshift with a predicted alternate stop codon (p.L760Ifs*2). This alteration was identified in a large, worldwide study of BRCA1/2 mutation positive families (Rebbeck TR et al. Hum Mutat, 2018 05;39:593-620). This alteration has been reported in individuals with breast and/or ovarian cancer (Bayraktar S et al. Cancer, 2012 Mar;118:1515-22; Li A et al. Gynecol Oncol, 2018 10;151:145-152; Li JY et al. Int J Cancer, 2019 01;144:281-289) and in a study of BRCA1/2 screening in Chinese individuals undergoing routine health examinations (Dong H et al. J Med Genet, 2021 Aug;58:565-569). Of note, this alteration is also designated as 2506delTT in the literature. This variant is considered to be rare based on population cohorts in the Genome Aggregation Database (gnomAD). In addition to the clinical data presented in the literature, this alteration is expected to result in loss of function by premature protein truncation or nonsense-mediated mRNA decay. As such, this alteration is interpreted as a disease-causing mutation.

Baylor Genetics
Classification: Likely pathogenic for Familial cancer of breast. Last evaluated: 2023-07-12. Review status: criteria provided, single submitter. Criteria: ACMG Guidelines, 2015. Collection method: clinical testing. Allele origin: unknown. Not counted in ClinVar's aggregate classification.

Labcorp Genetics (formerly Invitae), Labcorp
Classification: Pathogenic for Hereditary breast ovarian cancer syndrome. Last evaluated: 2021-12-02. Review status: criteria provided, single submitter. Criteria: Invitae Variant Classification Sherloc (09022015). Collection method: clinical testing. Allele origin: germline. Not counted in ClinVar's aggregate classification.
Comment: This sequence change creates a premature translational stop signal (p.Leu760Ilefs*2) in the BRCA2 gene. It is expected to result in an absent or disrupted protein product. Loss-of-function variants in BRCA2 are known to be pathogenic (PMID: 20104584). For these reasons, this variant has been classified as Pathogenic. ClinVar contains an entry for this variant (Variation ID: 266694). This premature translational stop signal has been observed in individual(s) with breast cancer and ovarian cancer (PMID: 29752822, 30078507). This variant is not present in population databases (gnomAD no frequency).

Consortium of Investigators of Modifiers of BRCA1/2 (CIMBA), c/o University of Cambridge
Classification: Pathogenic for Breast-ovarian cancer, familial, susceptibility to, 2. Last evaluated: 2015-10-02. Review status: criteria provided, single submitter. Criteria: CIMBA Mutation Classification guidelines May 2016. Collection method: clinical testing. Allele origin: germline. Not counted in ClinVar's aggregate classification.

Juno Genomics, Hangzhou Juno Genomics, Inc
Classification: Pathogenic for Breast-ovarian cancer, familial, susceptibility to, 2. Review status: criteria provided, single submitter. Criteria: ACMG Guidelines, 2015. Collection method: clinical testing. Allele origin: germline. Not counted in ClinVar's aggregate classification.
Comment: Absent from controls (or at extremely low frequency if recessive) in Genome Aggregation Database.;Null variant in a gene where loss of function (LOF) is a known mechanism of disease.;Novel missense change at an amino acid residue where a different missense change determined to be pathogenic has been seen before.

Literature cited by the submitters: PubMed 22009639 (cited by Ambry Genetics); PubMed 29446198 (cited by Ambry Genetics); PubMed 29752822 (cited by Ambry Genetics and Labcorp Genetics (formerly Invitae), Labcorp); PubMed 30078507 (cited by Ambry Genetics and Labcorp Genetics (formerly Invitae), Labcorp); PubMed 31825140 (cited by Ambry Genetics); PubMed 32467295 (cited by Ambry Genetics); PubMed 20104584 (cited by Labcorp Genetics (formerly Invitae), Labcorp).